The following is an entry in ClinVar:

NM_017763.6(RNF43):c.131A>G (p.Gln44Arg)

Gene: RNF43 (ring finger protein 43; minus strand). Cytogenetic location: 17q22.
Variant type: single nucleotide variant.
Coding change: c.131A>G on transcript NM_017763.6 (MANE Select); coding-DNA position 131, A replaced by G.
Protein change: p.Gln44Arg; replaces glutamine 44 with arginine.
Molecular consequence: missense variant.
Genome position (GRCh38, 1-based): chr17:58,415,447, T>C on the plus strand (A>G on the coding strand, the complement: RNF43 is on the minus strand). VCF-style: chr17-58415447-T-C. GRCh37 (hg19) VCF-style: chr17-56492808-T-C.
Other names: c.131A>G, p.Gln44Arg (NM_001305544.3); short protein forms Q44R.
Identifiers: ClinVar variation 3789914 (VCV003789914.1).

ClinVar aggregate classification (germline): Uncertain significance (1 of 4 stars; one submission).

Submission:

Ambry Genetics
Classification: Uncertain significance. Last evaluated: 2025-01-25. Review status: criteria provided, single submitter. Criteria: Ambry Variant Classification Scheme 2023. Collection method: clinical testing. Allele origin: germline.
Comment: The p.Q44R variant (also known as c.131A>G), located in coding exon 1 of the RNF43 gene, results from an A to G substitution at nucleotide position 131. The glutamine at codon 44 is replaced by arginine, an amino acid with highly similar properties. This amino acid position is conserved. In addition, this alteration is predicted to be tolerated by in silico analysis. Based on the available evidence, the clinical significance of this variant remains unclear.